The following is an entry in ClinVar:

ClinVar aggregate classification (germline): Uncertain significance (1 of 4 stars; one submission).

Allele frequency attached by ClinVar (database versions not stated): gnomAD exomes below 0.00001.
gnomAD v4.1: 2 of 1,476,572 alleles (0.00014%); highest among the groups gnomAD compares: Non-Finnish European, 0.000089%; no homozygotes.

Submission:

Labcorp Genetics (formerly Invitae), Labcorp
Classification: Uncertain significance. Last evaluated: 2020-06-18. Review status: criteria provided, single submitter. Criteria: Invitae Variant Classification Sherloc (09022015). Collection method: clinical testing. Allele origin: germline.
Comment: In summary, the available evidence is currently insufficient to determine the role of this variant in disease. Therefore, it has been classified as a Variant of Uncertain Significance. Algorithms developed to predict the effect of missense changes on protein structure and function output the following: SIFT: "Tolerated"; PolyPhen-2: "Benign"; Align-GVGD: "Class C0". The arginine amino acid residue is found in multiple mammalian species, suggesting that this missense change does not adversely affect protein function. These predictions have not been confirmed by published functional studies and their clinical significance is uncertain. This sequence change replaces glycine with arginine at codon 77 of the CPOX protein (p.Gly77Arg). The glycine residue is weakly conserved and there is a moderate physicochemical difference between glycine and arginine. The frequency data for this variant in the population databases is considered unreliable, as metrics indicate insufficient coverage at this position in the ExAC database. This variant has not been reported in the literature in individuals with CPOX-related conditions.

NM_000097.7(CPOX):c.229G>A (p.Gly77Arg)

Genes: CPOX (coproporphyrinogen oxidase; minus strand), LOC129937121 (ATAC-STARR-seq lymphoblastoid silent region 14560; plus strand). Cytogenetic location: 3q11.2.
Variant type: single nucleotide variant.
Coding change: c.229G>A on transcript NM_000097.7 (MANE Select); coding-DNA position 229, G replaced by A.
Protein change: p.Gly77Arg; replaces glycine 77 with arginine.
Molecular consequence: missense variant.
Genome position (GRCh38, 1-based): chr3:98,593,276, C>T on the plus strand (G>A on the coding strand, the complement: CPOX is on the minus strand). VCF-style: chr3-98593276-C-T. GRCh37 (hg19) VCF-style: chr3-98312120-C-T.
Other names: short protein forms G77R.
Identifiers: ClinVar variation 1005602 (VCV001005602.5), dbSNP rs1707520320, ClinGen allele CA353646891.